The following is an entry in ClinVar:

ClinVar aggregate classification (germline): Pathogenic/Likely pathogenic. Review status: criteria provided, multiple submitters, no conflicts (2 of 4 stars). 2 submissions from 2 submitters: Pathogenic (1); Likely pathogenic (1). Last evaluated 2025-09-10.

Conditions:
Arrhythmogenic right ventricular dysplasia 9 (ARVD9). Also called: ARRHYTHMOGENIC RIGHT VENTRICULAR DYSPLASIA, FAMILIAL, 9; Arrhythmogenic Right Ventricular Dysplasia/Cardiomyopathy 9. Identifiers: MedGen C1836906, MONDO:0012180, OMIM 609040.

Submissions (2):

Labcorp Genetics (formerly Invitae), Labcorp
Classification: Pathogenic for Arrhythmogenic right ventricular dysplasia 9. Last evaluated: 2025-09-10. Review status: criteria provided, single submitter. Criteria: Invitae Variant Classification Sherloc (09022015). Collection method: clinical testing. Allele origin: germline.
Comment: This sequence change creates a premature translational stop signal (p.Val321Alafs*30) in the PKP2 gene. It is expected to result in an absent or disrupted protein product. Loss-of-function variants in PKP2 are known to be pathogenic (PMID: 15489853, 17041889, 23911551). This variant is not present in population databases (gnomAD no frequency). This variant has not been reported in the literature in individuals affected with PKP2-related conditions. ClinVar contains an entry for this variant (Variation ID: 1342294). For these reasons, this variant has been classified as Pathogenic.

Petrovsky National Research Centre of Surgery, The Federal Agency for Scientific Organizations
Classification: Likely pathogenic for Arrhythmogenic right ventricular dysplasia 9. Last evaluated: 2022-02-25. Review status: criteria provided, single submitter. Criteria: ACMG Guidelines, 2015. Collection method: clinical testing. Allele origin: germline. Inheritance: Autosomal dominant inheritance. Affected: yes. Observed: 1 heterozygote.
Comment: This sequence change c.962_965del creates a premature translational stop signal (p.Val321Alafs*30) in the PKP2 gene. It is expected to result in an absent or disrupted protein product. This variant is not present in databases (gnomAD, LOVD). Loss-of-function variants in PKP2 are known to be pathogenic (PMID: 15489853, 23911551). For these reasons, this variant has been classified as Likely Pathogenic.

Literature cited by the submitters: PubMed 15489853 (cited by Labcorp Genetics (formerly Invitae), Labcorp); PubMed 17041889 (cited by Labcorp Genetics (formerly Invitae), Labcorp); PubMed 23911551 (cited by Labcorp Genetics (formerly Invitae), Labcorp); DOI 10.15829/1560-4071-2021-4692 (cited by Petrovsky National Research Centre of Surgery, The Federal Agency for Scientific Organizations).

NM_001005242.3(PKP2):c.962_965del (p.Val321fs)

Gene: PKP2 (plakophilin 2; minus strand). Cytogenetic location: 12p11.21.
Variant type: Deletion.
Coding change: c.962_965del on transcript NM_001005242.3 (MANE Select); coding-DNA positions 962 to 965, 4 bases deleted (TCGG; older notation c.962_965delTCGG).
Protein change: p.Val321fs; shifts the reading frame from valine 321.
Molecular consequence: frameshift variant.
Genome position (GRCh38, 1-based): chr12:32,877,915-32,877,918, CCGA deleted on the plus strand (TCGG on the coding strand, the reverse complement: PKP2 is on the minus strand); deleting any 4 consecutive bases within chr12:32,877,915-32,877,919 gives the same sequence; the c. name uses the placement nearest the transcript's 3' end. VCF-style (leftmost placement, unchanged base first): chr12-32877914-GCCGA-G. GRCh37 (hg19) VCF-style: chr12-33030848-GCCGA-G.
Other names: p.Val321Alafs*30; c.962_965del, p.Val321fs (NM_004572.4); short protein forms V321fs.
Identifiers: ClinVar variation 1342294 (VCV001342294.6), dbSNP rs2137946218, ClinGen allele CA2573053655.